The following is an entry in ClinVar:

NM_005359.6(SMAD4):c.1147A>G (p.Ile383Val)

Gene: SMAD4 (SMAD family member 4; plus strand). Cytogenetic location: 18q21.2.
Variant type: single nucleotide variant.
Coding change: c.1147A>G on transcript NM_005359.6 (MANE Select); coding-DNA position 1147, A replaced by G.
Protein change: p.Ile383Val; replaces isoleucine 383 with valine.
Molecular consequence: missense variant.
Genome position (GRCh38, 1-based): chr18:51,067,026, A>G. VCF-style: chr18-51067026-A-G. GRCh37 (hg19) VCF-style: chr18-48593396-A-G.
Other names: c.1147A>G, p.Ile383Val (NM_001407041.1, NM_001407042.1); short protein forms I383V.
Identifiers: ClinVar variation 1732831 (VCV001732831.2), dbSNP rs2511384534, ClinGen allele CA402464725.

ClinVar aggregate classification (germline): Uncertain significance (1 of 4 stars; one submission).

Conditions:
Hereditary cancer-predisposing syndrome. Also called: Neoplastic Syndromes, Hereditary; Tumor predisposition; Hereditary Cancer Syndrome; Hereditary neoplastic syndrome. Identifiers: Orphanet 140162, MedGen C0027672, MeSH D009386, MONDO:0015356.
Familial thoracic aortic aneurysm and aortic dissection (TAAD). Also called: Thoracic aortic aneurysms and dissections. Identifiers: Orphanet 91387, MedGen C4707243, MONDO:0019625.

Submission:

Ambry Genetics
Classification: Uncertain significance for Hereditary cancer-predisposing syndrome; Familial thoracic aortic aneurysm and aortic dissection. Last evaluated: 2022-09-02. Review status: criteria provided, single submitter. Criteria: Ambry Variant Classification Scheme 2023. Collection method: clinical testing. Allele origin: germline.
Comment: The p.I383V variant (also known as c.1147A>G), located in coding exon 9 of the SMAD4 gene, results from an A to G substitution at nucleotide position 1147. The isoleucine at codon 383 is replaced by valine, an amino acid with highly similar properties. This amino acid position is highly conserved in available vertebrate species. In addition, this alteration is predicted to be deleterious by in silico analysis. Since supporting evidence is limited at this time, the clinical significance of this alteration remains unclear.